The following is an entry in ClinVar:

ClinVar aggregate classification (germline): Benign/Likely benign. Review status: criteria provided, multiple submitters, no conflicts (2 of 4 stars). 4 submissions from 4 submitters: Benign (1); Likely benign (3). Last evaluated 2025-12-29.

Conditions:
Hereditary leiomyomatosis and renal cell cancer. Also called: MULTIPLE CUTANEOUS AND UTERINE LEIOMYOMATA 1, WITH OR WITHOUT RENAL CELL CARCINOMA; LEIOMYOMA, MULTIPLE CUTANEOUS; Reed syndrome; Multiple cutaneous and uterine leiomyomatosis; Cutaneous leiomyomata with uterine leiomyomata; Leiomyoma, hereditary multiple, of skin. Identifiers: Orphanet 523, MedGen C1708350, MONDO:0007888, OMIM 150800, HP:0007437. Disease mechanism: loss of function.
Hereditary cancer-predisposing syndrome. Also called: Neoplastic Syndromes, Hereditary; Tumor predisposition; Hereditary Cancer Syndrome; Hereditary neoplastic syndrome. Identifiers: Orphanet 140162, MedGen C0027672, MeSH D009386, MONDO:0015356.

Submissions (4):

Center for Genomic Medicine, Rigshospitalet, Copenhagen University Hospital
Classification: Likely benign. Last evaluated: 2025-12-29. Review status: criteria provided, single submitter. Criteria: ACMG Guidelines, 2015. Collection method: clinical testing. Allele origin: germline.

Myriad Genetics, Inc.
Classification: Benign for Hereditary leiomyomatosis and renal cell cancer. Last evaluated: 2024-10-17. Review status: criteria provided, single submitter. Criteria: Myriad Autosomal Dominant, Autosomal Recessive and X-Linked Classification Criteria (2023). Collection method: clinical testing. Allele origin: unknown.
Comment: This variant is considered benign. This variant is a silent/synonymous amino acid change and it is not expected to impact splicing.

Labcorp Genetics (formerly Invitae), Labcorp
Classification: Likely benign. Last evaluated: 2024-08-27. Review status: criteria provided, single submitter. Criteria: Invitae Variant Classification Sherloc (09022015). Collection method: clinical testing. Allele origin: germline.

Ambry Genetics
Classification: Likely benign for Hereditary cancer-predisposing syndrome. Last evaluated: 2021-12-18. Review status: criteria provided, single submitter. Criteria: Ambry Variant Classification Scheme 2023. Collection method: clinical testing. Allele origin: germline.

NM_000143.4(FH):c.150C>T (p.Phe50=)

Gene: FH (fumarate hydratase; minus strand). Cytogenetic location: 1q43.
Variant type: single nucleotide variant.
Coding change: c.150C>T on transcript NM_000143.4 (MANE Select); coding-DNA position 150, C replaced by T.
Protein change: p.Phe50=; no amino-acid change (phenylalanine 50 retained).
Molecular consequence: synonymous variant.
Genome position (GRCh38, 1-based): chr1:241,517,299, G>A on the plus strand (C>T on the coding strand, the complement: FH is on the minus strand). VCF-style: chr1-241517299-G-A. GRCh37 (hg19) VCF-style: chr1-241680599-G-A.
Identifiers: ClinVar variation 1603913 (VCV001603913.12), dbSNP rs2147925282, ClinGen allele CA424076622.